The following is an entry in ClinVar:

NC_000017.10:g.(?_1554096)_(1680740_?)del

Genes: MIR22 (microRNA 22; minus strand), PRPF8 (pre-mRNA processing factor 8; minus strand), SERPINF1 (serpin family F member 1; plus strand), SERPINF2 (serpin family F member 2; plus strand), TLCD2 (TLC domain containing 2; minus strand) and 1 more. Cytogenetic location: 17p13.3.
Variant type: Deletion.
Identifiers: ClinVar variation 2425596 (VCV002425596.4).

ClinVar aggregate classification (germline): Uncertain significance (1 of 4 stars; one submission).

Submission:

Labcorp Genetics (formerly Invitae), Labcorp
Classification: Uncertain significance. Last evaluated: 2022-10-04. Review status: criteria provided, single submitter. Criteria: Invitae Variant Classification Sherloc (09022015). Collection method: clinical testing. Allele origin: germline.
Comment: A gross deletion of the genomic region encompassing the full coding sequence of the PRPF8 gene has been identified. The current clinical and genetic evidence is not sufficient to establish whether loss-of-function variants in PRPF8 cause disease. The boundaries of this event are unknown as they extend beyond the assayed region for this gene and therefore may encompass additional genes. This variant has not been reported in the literature in individuals affected with PRPF8-related conditions. In summary, the available evidence is currently insufficient to determine the role of this variant in disease. Therefore, it has been classified as a Variant of Uncertain Significance.